The following is an entry in ClinVar:

ClinVar aggregate classification (germline): Likely pathogenic (1 of 4 stars; one submission).

Conditions:
Zellweger spectrum disorders (ZS). Also called: Zellweger Spectrum Disorder (ZSD); Zellweger syndrome; Zellweger Spectrum Disorder; Zellweger Spectrum. Identifiers: Orphanet 912, MedGen C0043459, MONDO:0019609.

Submission:

Natera, Inc.
Classification: Likely pathogenic for Zellweger syndrome. Last evaluated: 2025-10-07. Review status: criteria provided, single submitter. Criteria: Natera Variant Classification Schema (03/2026). Collection method: clinical testing. Allele origin: germline.
Comment: The c.2588+1G>C variant in PEX6 is a canonical splice donor site variant predicted to affect pre-mRNA splicing, which may result in an abnormal transcript and altered protein product. This variant is expected to result in nonsense mediated decay, truncation, or a dysfunctional protein product. This variant is rare in the general population with a frequency below the threshold expected for the associated phenotype(s). Given the available evidence, this variant is classified as Likely Pathogenic.

NM_000287.4(PEX6):c.2588+1G>C

Gene: PEX6 (peroxisomal biogenesis factor 6; minus strand). Cytogenetic location: 6p21.1.
Variant type: single nucleotide variant.
Coding change: c.2588+1G>C on transcript NM_000287.4 (MANE Select); the canonical splice donor site of the intron after coding-DNA position 2588, G replaced by C.
Molecular consequence: splice donor variant.
Genome position (GRCh38, 1-based): chr6:42,965,251, C>G on the plus strand (G>C on the coding strand, the complement: PEX6 is on the minus strand). VCF-style: chr6-42965251-C-G. GRCh37 (hg19) VCF-style: chr6-42932989-C-G.
Other names: c.2324+1G>C (NM_001316313.2).
Identifiers: ClinVar variation 4818116 (VCV004818116.1).